The following is an entry in ClinVar:

NM_181741.4(ORC4):c.1105A>T (p.Lys369Ter)

Gene: ORC4 (origin recognition complex subunit 4; minus strand). Cytogenetic location: 2q23.1.
Variant type: single nucleotide variant.
Coding change: c.1105A>T on transcript NM_181741.4 (MANE Select); coding-DNA position 1105, A replaced by T.
Protein change: p.Lys369Ter; replaces lysine 369 with a stop codon.
Molecular consequence: nonsense.
Genome position (GRCh38, 1-based): chr2:147,938,163, T>A on the plus strand (A>T on the coding strand, the complement: ORC4 is on the minus strand). VCF-style: chr2-147938163-T-A. GRCh37 (hg19) VCF-style: chr2-148695732-T-A.
Other names: c.1105A>T, p.Lys369Ter (NM_001190879.3, NM_001374270.1, NM_002552.5 and 1 more transcripts); c.853A>T, p.Lys285Ter (NM_001190881.3, NM_001374272.1); c.883A>T, p.Lys295Ter (NM_001190882.3); short protein forms K285*, K369*, K295*.
Identifiers: ClinVar variation 1384791 (VCV001384791.5), dbSNP rs372244689, ClinGen allele CA1899385.

ClinVar aggregate classification (germline): Uncertain significance. Review status: criteria provided, multiple submitters, no conflicts (2 of 4 stars). 3 submissions from 3 submitters: Uncertain significance (3). Last evaluated 2024-07-08.

Conditions:
Meier-Gorlin syndrome 2 (MGORS2). Identifiers: Orphanet 2554, MedGen C3151097, MONDO:0013428, OMIM 613800.

Allele frequency attached by ClinVar (database versions not stated): gnomAD exomes 0.00001 and 0.00002; gnomAD 0.00015 and 0.00017; TOPMed 0.00016; ExAC 0.00004; ESP Exome Variant Server 0.00008.
gnomAD v4.1: 40 of 1,611,652 alleles (0.0025%); highest among the groups gnomAD compares: African/African-American, 0.048%; no homozygotes.

Submissions (3):

Laboratorio de Genetica e Diagnostico Molecular, Hospital Israelita Albert Einstein
Classification: Uncertain significance for Meier-Gorlin syndrome 2. Last evaluated: 2024-07-08. Review status: criteria provided, single submitter. Criteria: ACMG Guidelines, 2015. Collection method: clinical testing. Allele origin: germline. Affected: yes.
Comment: ACMG classification criteria: PVS1 strong, PM2 supporting

Labcorp Genetics (formerly Invitae), Labcorp
Classification: Uncertain significance. Last evaluated: 2022-07-12. Review status: criteria provided, single submitter. Criteria: Invitae Variant Classification Sherloc (09022015). Collection method: clinical testing. Allele origin: germline.
Comment: This sequence change creates a premature translational stop signal (p.Lys369*) in the ORC4 gene. While this is not anticipated to result in nonsense mediated decay, it is expected to disrupt the last 68 amino acid(s) of the ORC4 protein. This variant is present in population databases (rs372244689, gnomAD 0.05%). This variant has not been reported in the literature in individuals affected with ORC4-related conditions. ClinVar contains an entry for this variant (Variation ID: 1384791). Experimental studies and prediction algorithms are not available or were not evaluated, and the functional significance of this variant is currently unknown. Algorithms developed to predict the effect of sequence changes on RNA splicing suggest that this variant may disrupt the consensus splice site. In summary, the available evidence is currently insufficient to determine the role of this variant in disease. Therefore, it has been classified as a Variant of Uncertain Significance.

Breakthrough Genomics
Classification: Uncertain significance. Review status: criteria provided, single submitter. Criteria: ACMG Guidelines, 2015. Collection method: not provided. Allele origin: germline. Inheritance: Autosomal recessive inheritance. Affected: yes.